The following is an entry in ClinVar:

NM_000159.4(GCDH):c.1199T>C (p.Val400Ala)

Gene: GCDH (glutaryl-CoA dehydrogenase; plus strand). Cytogenetic location: 19p13.13.
Variant type: single nucleotide variant.
Coding change: c.1199T>C on transcript NM_000159.4 (MANE Select); coding-DNA position 1199, T replaced by C.
Protein change: p.Val400Ala; replaces valine 400 with alanine.
Molecular consequence: missense variant. On other transcripts: non-coding transcript variant (2).
Genome position (GRCh38, 1-based): chr19:12,897,819, T>C. VCF-style: chr19-12897819-T-C. GRCh37 (hg19) VCF-style: chr19-13008633-T-C.
Other names: c.1199T>C, p.Val400Ala (NM_013976.5); short protein forms V400A.
Identifiers: ClinVar variation 1507159 (VCV001507159.6), dbSNP rs2145955176, ClinGen allele CA404321763.

ClinVar aggregate classification (germline): Likely pathogenic (1 of 4 stars; one submission).

Conditions:
Glutaric aciduria, type 1. Also called: Glutaric Acidemia Type 1; Glutaryl-CoA dehydrogenase deficiency; Glutaricacidemia Type 1; GA I; Glutaricaciduria, type I; Glutaric acidemia type I. Identifiers: Orphanet 25, MedGen C0268595, MONDO:0009281, OMIM 231670.

Submission:

Labcorp Genetics (formerly Invitae), Labcorp
Classification: Likely pathogenic for Glutaric aciduria, type 1. Last evaluated: 2021-08-19. Review status: criteria provided, single submitter. Criteria: Invitae Variant Classification Sherloc (09022015). Collection method: clinical testing. Allele origin: germline.
Comment: This variant disrupts the p.Val400 amino acid residue in GCDH. Other variant(s) that disrupt this residue have been determined to be pathogenic (PMID: 10960496, 21912879, 27397597). This suggests that this residue is clinically significant, and that variants that disrupt this residue are likely to be disease-causing. This sequence change replaces valine with alanine at codon 400 of the GCDH protein (p.Val400Ala). The valine residue is moderately conserved and there is a small physicochemical difference between valine and alanine. This variant is not present in population databases (ExAC no frequency). This variant has not been reported in the literature in individuals affected with GCDH-related conditions. Advanced modeling of protein sequence and biophysical properties (such as structural, functional, and spatial information, amino acid conservation, physicochemical variation, residue mobility, and thermodynamic stability) performed at Invitae indicates that this missense variant is expected to disrupt GCDH protein function. In summary, the currently available evidence indicates that the variant is pathogenic, but additional data are needed to prove that conclusively. Therefore, this variant has been classified as Likely Pathogenic.

Literature cited by the submitters: PubMed 10960496; PubMed 21912879; PubMed 27397597.